The following is an entry in ClinVar:

ClinVar aggregate classification (germline): Pathogenic. Review status: criteria provided, multiple submitters, no conflicts (2 of 4 stars). 2 submissions from 2 submitters: Pathogenic (2). Last evaluated 2024-11-11.

Conditions:
TYRP1-related disorder. Also called: TYRP1-related condition.

Submissions (2):

Labcorp Genetics (formerly Invitae), Labcorp
Classification: Pathogenic. Last evaluated: 2024-11-11. Review status: criteria provided, single submitter. Criteria: Invitae Variant Classification Sherloc (09022015). Collection method: clinical testing. Allele origin: germline.
Comment: This sequence change creates a premature translational stop signal (p.Glu216Glyfs*43) in the TYRP1 gene. It is expected to result in an absent or disrupted protein product. Loss-of-function variants in TYRP1 are known to be pathogenic (PMID: 8651291, 9345097). This variant is not present in population databases (gnomAD no frequency). This variant has not been reported in the literature in individuals affected with TYRP1-related conditions. ClinVar contains an entry for this variant (Variation ID: 2859882). For these reasons, this variant has been classified as Pathogenic.

Blueprint Genetics
Classification: Pathogenic for TYRP1-related disorders. Last evaluated: 2023-01-31. Review status: criteria provided, single submitter. Criteria: ACMG Guidelines, 2015. Collection method: clinical testing. Allele origin: germline. Affected: yes. Observed: 2 variant alleles.

Literature cited by the submitters: PubMed 8651291 (cited by Labcorp Genetics (formerly Invitae), Labcorp); PubMed 9345097 (cited by Labcorp Genetics (formerly Invitae), Labcorp).

NM_000550.3(TYRP1):c.647_668del (p.Glu216fs)

Gene: TYRP1 (tyrosinase related protein 1; plus strand). Cytogenetic location: 9p23.
Variant type: Deletion.
Coding change: c.647_668del on transcript NM_000550.3 (MANE Select); coding-DNA positions 647 to 668, 22 bases deleted (AGGGACCAGCTTTTCTCACATG).
Protein change: p.Glu216fs; shifts the reading frame from glutamic acid 216.
Molecular consequence: frameshift variant.
Genome position (GRCh38, 1-based): chr9:12,695,776-12,695,797, AGGGACCAGCTTTTCTCACATG deleted; deleting any 22 consecutive bases within chr9:12,695,772-12,695,797 gives the same sequence; the c. name uses the placement nearest the transcript's 3' end. VCF-style (leftmost placement, unchanged base first): chr9-12695771-TCATGAGGGACCAGCTTTTCTCA-T. GRCh37 (hg19) VCF-style: chr9-12695771-TCATGAGGGACCAGCTTTTCTCA-T.
Other names: short protein forms E216fs.
Identifiers: ClinVar variation 2859882 (VCV002859882.4), dbSNP rs1367061481, ClinGen allele CA860107045.